The following is an entry in ClinVar:

ClinVar aggregate classification (germline): Uncertain significance (1 of 4 stars; one submission).

Submissions (2):

Labcorp Genetics (formerly Invitae), Labcorp
Classification: Uncertain significance. Last evaluated: 2022-07-28. Review status: criteria provided, single submitter. Criteria: Invitae Variant Classification Sherloc (09022015). Collection method: clinical testing. Allele origin: germline.
Comment: This sequence change falls in intron 9 of the C1S gene. It does not directly change the encoded amino acid sequence of the C1S protein. It affects a nucleotide within the consensus splice site. This variant is not present in population databases (gnomAD no frequency). This variant has not been reported in the literature in individuals affected with C1S-related conditions. Variants that disrupt the consensus splice site are a relatively common cause of aberrant splicing (PMID: 17576681, 9536098). Algorithms developed to predict the effect of sequence changes on RNA splicing suggest that this variant may disrupt the consensus splice site. In summary, the available evidence is currently insufficient to determine the role of this variant in disease. Therefore, it has been classified as a Variant of Uncertain Significance.

Dr. Peter K. Rogan Lab, Western University
No classification provided (evidence only). Condition: Colon adenocarcinoma. Review status: no classification provided. Collection method: in vitro. Allele origin: not applicable. Functional consequence: skipped exon, retained intron. Not counted in ClinVar's aggregate classification.

Literature cited by the submitters: PubMed 17576681 (cited by Labcorp Genetics (formerly Invitae), Labcorp); PubMed 9536098 (cited by Labcorp Genetics (formerly Invitae), Labcorp).

NM_001734.5(C1S):c.1066+5G>A

Gene: C1S (complement C1s; plus strand). Cytogenetic location: 12p13.31.
Variant type: single nucleotide variant.
Coding change: c.1066+5G>A on transcript NM_001734.5 (MANE Select); 5 bases into the intron after coding-DNA position 1066, G replaced by A.
Molecular consequence: intron variant.
Genome position (GRCh38, 1-based): chr12:7,067,122, G>A. VCF-style: chr12-7067122-G-A. GRCh37 (hg19) VCF-style: chr12-7174426-G-A.
Other names: c.1066+5G>A (NM_201442.4); c.565+5G>A (NM_001346850.2).
Identifiers: ClinVar variation 2067720 (VCV002067720.5), dbSNP rs2539602529, ClinGen allele CA2575064428.